The following is an entry in ClinVar:

ClinVar aggregate classification (germline): Benign. Review status: criteria provided, multiple submitters, no conflicts (2 of 4 stars). 2 submissions from 2 submitters: Benign (2). Last evaluated 2018-01-12.

Conditions:
Pseudohypoparathyroidism type 1B (PHP1B). Also called: PHP IB; Pseudohypoparathyroidism Ib (PHP-Ib); Pseudohypoparathyroidism Type IB. Identifiers: Orphanet 94089, MedGen C1864100, MONDO:0011301, OMIM 603233.

Allele frequency attached by ClinVar (database versions not stated): 1000 Genomes Project 0.00060; gnomAD 0.00124 and 0.00128; TOPMed 0.00127; 1000 Genomes Project 30x 0.00156; gnomAD exomes 0.00264.
gnomAD v4.1: 194 of 154,334 alleles (0.13%); highest among the groups gnomAD compares: Admixed American, 0.23%; 1 homozygote.

Submissions (2):

Illumina Laboratory Services, Illumina
Classification: Benign for Pseudohypoparathyroidism type 1B. Last evaluated: 2018-01-12. Review status: criteria provided, single submitter. Criteria: ICSL Variant Classification Criteria 13 December 2019. Collection method: clinical testing. Allele origin: germline.
Comment: This variant was observed in the ICSL laboratory as part of a predisposition screen in an ostensibly healthy population. It had not been previously curated by ICSL or reported in the Human Gene Mutation Database (HGMD: prior to June 1st, 2018), and was therefore a candidate for classification through an automated scoring system. Utilizing variant allele frequency, disease prevalence and penetrance estimates, and inheritance mode, an automated score was calculated to assess if this variant is too frequent to cause the disease. Based on the score and internal cut-off values, a variant classified as benign is not then subjected to further curation. The score for this variant resulted in a classification of benign for this disease.

Breakthrough Genomics
Classification: Benign. Review status: criteria provided, single submitter. Criteria: ACMG Guidelines, 2015. Collection method: not provided. Allele origin: germline. Inheritance: Autosomal dominant inheritance. Affected: yes.

NM_001001433.3(STX16):c.-534C>G

Genes: STX16 (syntaxin 16; plus strand), STX16-NPEPL1 (STX16-NPEPL1 readthrough (NMD candidate); plus strand). Cytogenetic location: 20q13.32.
Variant type: single nucleotide variant.
Coding change: c.-534C>G on transcript NM_001001433.3 (MANE Select); 534 bases upstream of the start codon, C replaced by G.
Molecular consequence: 5 prime UTR variant. On other transcripts: non-coding transcript variant (2), intron variant (1).
Genome position (GRCh38, 1-based): chr20:58,651,473, C>G. VCF-style: chr20-58651473-C-G. GRCh37 (hg19) VCF-style: chr20-57226529-C-G.
Other names: c.-534C>G (NM_001134772.3, NM_001134773.3, NM_003763.6); c.-94+39C>G (NM_001204868.2).
Identifiers: ClinVar variation 339034 (VCV000339034.6), dbSNP rs190719996, ClinGen allele CA10652696.